The following is an entry in ClinVar:

NM_014855.3(AP5Z1):c.1563G>A (p.Leu521=)

Gene: AP5Z1 (adaptor related protein complex 5 subunit zeta 1; plus strand). Cytogenetic location: 7p22.1.
Variant type: single nucleotide variant.
Coding change: c.1563G>A on transcript NM_014855.3 (MANE Select); coding-DNA position 1563, G replaced by A.
Protein change: p.Leu521=; no amino-acid change (leucine 521 retained).
Molecular consequence: synonymous variant. On other transcripts: non-coding transcript variant (1).
Genome position (GRCh38, 1-based): chr7:4,788,262, G>A. VCF-style: chr7-4788262-G-A. GRCh37 (hg19) VCF-style: chr7-4827893-G-A.
Other names: p.Leu521=; c.1563G>A, p.Leu521= (LRG_1247t1); c.1095G>A, p.Leu365= (NM_001364858.1).
Identifiers: ClinVar variation 417161 (VCV000417161.23), dbSNP rs182411153, ClinGen allele CA4137868.

ClinVar aggregate classification (germline): Conflicting classifications of pathogenicity. Review status: criteria provided, conflicting classifications (1 of 4 stars). 7 submissions from 7 submitters: Uncertain significance (2); Benign (2); Likely benign (3). Last evaluated 2025-12-26.

Conditions:
Hereditary spastic paraplegia 48. Also called: SPASTIC PARAPLEGIA 48, AUTOSOMAL RECESSIVE; Spastic paraplegia 48. Identifiers: Orphanet 306511, MedGen C3150901, MONDO:0013342, OMIM 613647.
Hereditary spastic paraplegia. Also called: Familial spastic paraparesis. Identifiers: Orphanet 685, MedGen C0037773, MONDO:0019064. Disease mechanism: loss of function.

Allele frequency attached by ClinVar (database versions not stated): gnomAD exomes 0.00039; ExAC 0.00054; ESP Exome Variant Server 0.00067; gnomAD 0.00105 and 0.00137; TOPMed 0.00159; 1000 Genomes Project 0.00220; 1000 Genomes Project 30x 0.00234.
gnomAD v4.1: 593 of 1,590,558 alleles (0.037%); highest among the groups gnomAD compares: African/African-American, 0.49%; 4 homozygotes.

Submissions (7):

Labcorp Genetics (formerly Invitae), Labcorp
Classification: Benign for Hereditary spastic paraplegia 48. Last evaluated: 2025-12-26. Review status: criteria provided, single submitter. Criteria: Invitae Variant Classification Sherloc (09022015). Collection method: clinical testing. Allele origin: germline.

Mayo Clinic Laboratories, Mayo Clinic
Classification: Likely benign. Last evaluated: 2025-06-30. Review status: criteria provided, single submitter. Criteria: ACMG Guidelines, 2015. Collection method: clinical testing. Allele origin: germline. Observed: 2 variant alleles.
Comment: BS1, BP4, BP7

Blueprint Genetics
Classification: Likely benign. Last evaluated: 2024-11-12. Review status: criteria provided, single submitter. Criteria: ACMG Guidelines, 2015. Collection method: clinical testing. Allele origin: germline.

Athena Diagnostics
Classification: Benign. Last evaluated: 2023-12-29. Review status: criteria provided, single submitter. Criteria: Athena Diagnostics Criteria. Collection method: clinical testing. Allele origin: unknown.

Genome Diagnostics Laboratory, The Hospital for Sick Children
Classification: Uncertain significance for Hereditary spastic paraplegia. Last evaluated: 2020-07-14. Review status: criteria provided, single submitter. Criteria: ACMG Guidelines, 2015. Collection method: clinical testing. Allele origin: germline. Affected: yes.

GeneDx
Classification: Likely benign. Last evaluated: 2020-01-14. Review status: criteria provided, single submitter. Criteria: GeneDx Variant Classification Process June 2021. Collection method: clinical testing. Allele origin: germline. Affected: yes.

Illumina Laboratory Services, Illumina
Classification: Uncertain significance for Hereditary spastic paraplegia 48. Last evaluated: 2018-03-30. Review status: criteria provided, single submitter. Criteria: ICSL Variant Classification Criteria 13 December 2019. Collection method: clinical testing. Allele origin: germline.